The following is an entry in ClinVar:

NM_004722.4(AP4M1):c.740G>C (p.Gly247Ala)

Gene: AP4M1 (adaptor related protein complex 4 subunit mu 1; plus strand). Cytogenetic location: 7q22.1.
Variant type: single nucleotide variant.
Coding change: c.740G>C on transcript NM_004722.4 (MANE Select); coding-DNA position 740, G replaced by C.
Protein change: p.Gly247Ala; replaces glycine 247 with alanine.
Molecular consequence: missense variant.
Genome position (GRCh38, 1-based): chr7:100,105,252, G>C. VCF-style: chr7-100105252-G-C. GRCh37 (hg19) VCF-style: chr7-99702875-G-C.
Other names: c.761G>C, p.Gly254Ala (NM_001363671.2); short protein forms G247A, G254A.
Identifiers: ClinVar variation 389721 (VCV000389721.47), dbSNP rs145887263, ClinGen allele CA4374783.
Genomic context (GRCh38, chr7:100,105,252, plus strand): 5'-CTCCCAAAACAGGAGTCAGGAGAGAAGTCTCTCTCTCTCTCTTTCCAGGTTATGGGCCAG[G>C]AATCCGGGTCGATGAAGTCTCGTTTCACAGCTCTGTGAATCTGGACGAATTTGAGTCTCA-3'
Protein context (NP_004713.2, residues 237-257): GKSELRGYGP[Gly247Ala]IRVDEVSFHS

ClinVar aggregate classification (germline): Benign/Likely benign. Review status: criteria provided, multiple submitters, no conflicts (2 of 4 stars). 7 submissions from 7 submitters: Benign (2); Likely benign (5). Last evaluated 2026-06-12.

Conditions:
AP4M1-related disorder. Also called: AP4M1-related condition.
Hereditary spastic paraplegia 50 (SPG50). Also called: Spastic paraplegia 50, autosomal recessive. Identifiers: Orphanet 280763, MedGen C2752008, MONDO:0013048, OMIM 612936.

Allele frequency attached by ClinVar (database versions not stated): gnomAD exomes 0.00053 and 0.00111; TOPMed 0.00067; gnomAD 0.00072 and 0.00075; ESP Exome Variant Server 0.00085; ExAC 0.00092.

Submissions (7):

PreventionGenetics, part of Exact Sciences
Classification: Benign for AP4M1-related condition. Last evaluated: 2026-06-12. Review status: criteria provided, single submitter. Criteria: ACMG Guidelines, 2015. Collection method: clinical testing. Allele origin: germline.
Comment: This variant is classified as benign based on ACMG/AMP sequence variant interpretation guidelines (Richards et al. 2015 PMID: 25741868, with internal and published modifications).

Labcorp Genetics (formerly Invitae), Labcorp
Classification: Benign for Hereditary spastic paraplegia 50. Last evaluated: 2026-01-06. Review status: criteria provided, single submitter. Criteria: Invitae Variant Classification Sherloc (09022015). Collection method: clinical testing. Allele origin: germline.

Blueprint Genetics
Classification: Likely benign. Last evaluated: 2024-11-04. Review status: criteria provided, single submitter. Criteria: ACMG Guidelines, 2015. Collection method: clinical testing. Allele origin: germline.

CeGaT Center for Human Genetics Tuebingen
Classification: Likely benign. Last evaluated: 2022-07-01. Review status: criteria provided, single submitter. Criteria: CeGaT Center For Human Genetics Tuebingen Variant Classification Criteria Version 2. Collection method: clinical testing. Allele origin: germline. Affected: yes. Observed: 1 variant allele.
Comment: AP4M1: BS2

Fulgent Genetics
Classification: Likely benign for Hereditary spastic paraplegia 50. Last evaluated: 2022-01-03. Review status: criteria provided, single submitter. Criteria: ACMG Guidelines, 2015. Collection method: clinical testing. Allele origin: unknown.

GeneDx
Classification: Likely benign. Last evaluated: 2020-11-10. Review status: criteria provided, single submitter. Criteria: GeneDx Variant Classification Process June 2021. Collection method: clinical testing. Allele origin: germline. Affected: yes.
Comment: This variant is associated with the following publications: (PMID: 26544806)

Breakthrough Genomics
Classification: Likely benign. Review status: criteria provided, single submitter. Criteria: ACMG Guidelines, 2015. Collection method: not provided. Allele origin: germline. Inheritance: Autosomal recessive inheritance. Affected: yes.